The following is an entry in ClinVar:

NM_005634.3(SOX3):c.1236C>G (p.Ala412=)

Gene: SOX3 (SRY-box transcription factor 3; minus strand). Cytogenetic location: Xq27.1.
Variant type: single nucleotide variant.
Coding change: c.1236C>G on transcript NM_005634.3 (MANE Select); coding-DNA position 1236, C replaced by G.
Protein change: p.Ala412=; no amino-acid change (alanine 412 retained).
Molecular consequence: synonymous variant.
Genome position (GRCh38, 1-based): chrX:140,503,825, G>C on the plus strand (C>G on the coding strand, the complement: SOX3 is on the minus strand). VCF-style: chrX-140503825-G-C. GRCh37 (hg19) VCF-style: chrX-139585990-G-C.
Identifiers: ClinVar variation 2172860 (VCV002172860.28), dbSNP rs969740502, ClinGen allele CA336480985.

ClinVar aggregate classification (germline): Benign/Likely benign. Review status: criteria provided, multiple submitters, no conflicts (2 of 4 stars). 2 submissions from 2 submitters: Benign (1); Likely benign (1). Last evaluated 2023-11-01.

Allele frequency attached by ClinVar (database versions not stated): gnomAD 0.00002; TOPMed 0.00003.
gnomAD v4.1: 22 of 1,180,184 alleles (0.0019%); highest among the groups gnomAD compares: Non-Finnish European, 0.0025%; no homozygotes.

Submissions (2):

CeGaT Center for Human Genetics Tuebingen
Classification: Likely benign. Last evaluated: 2023-11-01. Review status: criteria provided, single submitter. Criteria: CeGaT Center For Human Genetics Tuebingen Variant Classification Criteria Version 2. Collection method: clinical testing. Allele origin: germline. Affected: yes. Observed: 2 variant alleles.
Comment: SOX3: BP4, BP7, BS2

Labcorp Genetics (formerly Invitae), Labcorp
Classification: Benign. Last evaluated: 2022-11-08. Review status: criteria provided, single submitter. Criteria: Invitae Variant Classification Sherloc (09022015). Collection method: clinical testing. Allele origin: germline.